The following is an entry in ClinVar:

ClinVar aggregate classification (germline): Benign/Likely benign. Review status: criteria provided, multiple submitters, no conflicts (2 of 4 stars). 3 submissions from 3 submitters: Benign (1); Likely benign (2). Last evaluated 2025-12-12.

Conditions:
Familial adenomatous polyposis 1 (FAP1). Also called: FAMILIAL ADENOMATOUS POLYPOSIS 1, ATTENUATED; POLYPOSIS, ADENOMATOUS INTESTINAL. Identifiers: MedGen C2713442, MONDO:0021056, OMIM 175100. Disease mechanism: loss of function.
Hereditary cancer-predisposing syndrome. Also called: Tumor predisposition; Hereditary neoplastic syndrome; Neoplastic Syndromes, Hereditary; Hereditary Cancer Syndrome. Identifiers: Orphanet 140162, MedGen C0027672, MeSH D009386, MONDO:0015356.

Allele frequency attached by ClinVar (database versions not stated): gnomAD exomes below 0.00001.
gnomAD v4.1: 1 of 1,614,066 alleles (0.000062%); highest among the groups gnomAD compares: Admixed American, 0.0017%; no homozygotes.

Submissions (3):

Labcorp Genetics (formerly Invitae), Labcorp
Classification: Likely benign for Familial adenomatous polyposis 1. Last evaluated: 2025-12-12. Review status: criteria provided, single submitter. Criteria: Invitae Variant Classification Sherloc (09022015). Collection method: clinical testing. Allele origin: germline.

Myriad Genetics, Inc.
Classification: Benign for Familial adenomatous polyposis 1. Last evaluated: 2024-03-14. Review status: criteria provided, single submitter. Criteria: Myriad Autosomal Dominant, Autosomal Recessive and X-Linked Classification Criteria (2023). Collection method: clinical testing. Allele origin: unknown.
Comment: This variant is considered benign. This variant is a silent/synonymous amino acid change and it is not expected to impact splicing.

Ambry Genetics
Classification: Likely benign for Hereditary cancer-predisposing syndrome. Last evaluated: 2018-08-22. Review status: criteria provided, single submitter. Criteria: Ambry Variant Classification Scheme 2023. Collection method: clinical testing. Allele origin: germline.

NM_000038.6(APC):c.2634G>A (p.Leu878=)

Gene: APC (APC regulator of Wnt signaling pathway; plus strand). Cytogenetic location: 5q22.2.
Variant type: single nucleotide variant.
Coding change: c.2634G>A on transcript NM_000038.6 (MANE Select); coding-DNA position 2634, G replaced by A.
Protein change: p.Leu878=; no amino-acid change (leucine 878 retained).
Molecular consequence: synonymous variant.
Genome position (GRCh38, 1-based): chr5:112,838,228, G>A. VCF-style: chr5-112838228-G-A. GRCh37 (hg19) VCF-style: chr5-112173925-G-A.
Other names: c.2634G>A, p.Leu878= (NM_001127510.3, NM_001354895.2); c.2580G>A, p.Leu860= (NM_001127511.3); c.2688G>A, p.Leu896= (NM_001354896.2); c.2664G>A, p.Leu888= (NM_001354897.2); c.2559G>A, p.Leu853= (NM_001354898.2); c.2550G>A, p.Leu850= (NM_001354899.2); c.2511G>A, p.Leu837= (NM_001354900.2); c.2457G>A, p.Leu819= (NM_001354901.2); and 5 more.
Identifiers: ClinVar variation 749144 (VCV000749144.16), dbSNP rs1160075832, ClinGen allele CA445962971.